The following is an entry in ClinVar:

NM_000057.4(BLM):c.2974T>C (p.Phe992Leu)

Gene: BLM (BLM RecQ like helicase; plus strand). Cytogenetic location: 15q26.1.
Variant type: single nucleotide variant.
Coding change: c.2974T>C on transcript NM_000057.4 (MANE Select); coding-DNA position 2974, T replaced by C.
Protein change: p.Phe992Leu; replaces phenylalanine 992 with leucine.
Molecular consequence: missense variant.
Genome position (GRCh38, 1-based): chr15:90,790,799, T>C. VCF-style: chr15-90790799-T-C. GRCh37 (hg19) VCF-style: chr15-91334029-T-C.
Other names: c.2974T>C (NM_000057.2); c.2974T>C, p.Phe992Leu (NM_001287246.2, NM_001287247.2); c.1849T>C, p.Phe617Leu (NM_001287248.2); short protein forms F617L, F992L.
Identifiers: ClinVar variation 1055155 (VCV001055155.11), dbSNP rs2151184675, ClinGen allele CA393846532.

ClinVar aggregate classification (germline): Uncertain significance. Review status: criteria provided, multiple submitters, no conflicts (2 of 4 stars). 2 submissions from 2 submitters: Uncertain significance (2). Last evaluated 2025-09-25.

Conditions:
Bloom syndrome (BLM). Also called: Bloom-Torre-Machacek syndrome. Identifiers: Orphanet 125, MedGen C0005859, MONDO:0008876, OMIM 210900.
Hereditary cancer-predisposing syndrome. Also called: Hereditary Cancer Syndrome; Tumor predisposition; Hereditary neoplastic syndrome; Neoplastic Syndromes, Hereditary. Identifiers: Orphanet 140162, MedGen C0027672, MeSH D009386, MONDO:0015356.

Submissions (2):

Ambry Genetics
Classification: Uncertain significance for Hereditary cancer-predisposing syndrome. Last evaluated: 2025-09-25. Review status: criteria provided, single submitter. Criteria: Ambry Variant Classification Scheme 2023. Collection method: clinical testing. Allele origin: germline.
Comment: The p.F992L variant (also known as c.2974T>C), located in coding exon 14 of the BLM gene, results from a T to C substitution at nucleotide position 2974. The phenylalanine at codon 992 is replaced by leucine, an amino acid with highly similar properties. This amino acid position is conserved. In addition, this alteration is predicted to be deleterious by in silico analysis. Based on the available evidence, the clinical significance of this variant remains unclear.

Labcorp Genetics (formerly Invitae), Labcorp
Classification: Uncertain significance for Bloom syndrome. Last evaluated: 2020-01-27. Review status: criteria provided, single submitter. Criteria: Invitae Variant Classification Sherloc (09022015). Collection method: clinical testing. Allele origin: germline.
Comment: This sequence change replaces phenylalanine with leucine at codon 992 of the BLM protein (p.Phe992Leu). The phenylalanine residue is moderately conserved and there is a small physicochemical difference between phenylalanine and leucine. This variant is not present in population databases (ExAC no frequency). This variant has not been reported in the literature in individuals with BLM-related conditions. Algorithms developed to predict the effect of missense changes on protein structure and function are either unavailable or do not agree on the potential impact of this missense change (SIFT: "Tolerated"; PolyPhen-2: "Probably Damaging"; Align-GVGD: "Class C0"). In summary, the available evidence is currently insufficient to determine the role of this variant in disease. Therefore, it has been classified as a Variant of Uncertain Significance.